The following is an entry in ClinVar:

ClinVar aggregate classification (germline): Uncertain significance (1 of 4 stars; one submission).

Conditions:
Cone-rod dystrophy 6 (CORD6). Also called: Cone dystrophy progressive; RETINAL CONE DYSTROPHY 2. Identifiers: Orphanet 1872, MedGen C1866293, MONDO:0011143, OMIM 601777.
Leber congenital amaurosis 1 (LCA1). Also called: Congenital absence of the rods and cones; Leber's congenital tapetoretinal degeneration; Leber's congenital tapetoretinal dysplasia; RETINAL BLINDNESS, CONGENITAL; AMAUROSIS CONGENITA OF LEBER I. Identifiers: Orphanet 65, MedGen C2931258, MONDO:0008764, OMIM 204000.

Submission:

Labcorp Genetics (formerly Invitae), Labcorp
Classification: Uncertain significance for Leber congenital amaurosis 1; Cone-rod dystrophy 6. Last evaluated: 2025-10-22. Review status: criteria provided, single submitter. Criteria: Invitae Variant Classification Sherloc (09022015). Collection method: clinical testing. Allele origin: germline.
Comment: This sequence change replaces threonine, which is neutral and polar, with alanine, which is neutral and non-polar, at codon 107 of the GUCY2D protein (p.Thr107Ala). This variant is not present in population databases (gnomAD no frequency). This variant has not been reported in the literature in individuals affected with GUCY2D-related conditions. ClinVar contains an entry for this variant (Variation ID: 1355895). Invitae Evidence Modeling of protein sequence and biophysical properties (such as structural, functional, and spatial information, amino acid conservation, physicochemical variation, residue mobility, and thermodynamic stability) indicates that this missense variant is not expected to disrupt GUCY2D protein function with a negative predictive value of 80%. In summary, the available evidence is currently insufficient to determine the role of this variant in disease. Therefore, it has been classified as a Variant of Uncertain Significance.

NM_000180.4(GUCY2D):c.319A>G (p.Thr107Ala)

Gene: GUCY2D (guanylate cyclase 2D, retinal; plus strand). Cytogenetic location: 17p13.1.
Variant type: single nucleotide variant.
Coding change: c.319A>G on transcript NM_000180.4 (MANE Select); coding-DNA position 319, A replaced by G.
Protein change: p.Thr107Ala; replaces threonine 107 with alanine.
Molecular consequence: missense variant.
Genome position (GRCh38, 1-based): chr17:8,003,366, A>G. VCF-style: chr17-8003366-A-G. GRCh37 (hg19) VCF-style: chr17-7906684-A-G.
Other names: short protein forms T107A.
Identifiers: ClinVar variation 1355895 (VCV001355895.6), dbSNP rs2151799362, ClinGen allele CA397943182.
Genomic context (GRCh38, chr17:8,003,366, plus strand): 5'-GACCCCGGCCTGGCAGGCGGTCCCCGCTTCGAGGTAGCGCTGCTGCCCGAGCCTTGCCGG[A>G]CGCCGGGCTCGCTGGGGGCCGTGTCCTCCGCGCTGGCCCGCGTGTCGGGCCTCGTGGGTC-3'
Protein context (NP_000171.1, residues 97-117): EVALLPEPCR[Thr107Ala]PGSLGAVSSA